The following is an entry in ClinVar:

NM_005802.5(TOPORS):c.1730C>A (p.Ser577Tyr)

Gene: TOPORS (TOP1 binding arginine/serine rich protein, E3 ubiquitin ligase; minus strand). Cytogenetic location: 9p21.1.
Variant type: single nucleotide variant.
Coding change: c.1730C>A on transcript NM_005802.5 (MANE Select); coding-DNA position 1730, C replaced by A.
Protein change: p.Ser577Tyr; replaces serine 577 with tyrosine.
Molecular consequence: missense variant.
Genome position (GRCh38, 1-based): chr9:32,542,795, G>T on the plus strand (C>A on the coding strand, the complement: TOPORS is on the minus strand). VCF-style: chr9-32542795-G-T. GRCh37 (hg19) VCF-style: chr9-32542793-G-T.
Other names: c.1535C>A, p.Ser512Tyr (NM_001195622.2); short protein forms S577Y, S512Y.
Identifiers: ClinVar variation 497288 (VCV000497288.46), dbSNP rs79708790, ClinGen allele CA5020481.
Genomic context (GRCh38, chr9:32,542,795, plus strand): 5'-GATCTTCCCCTCTTTCTGTGTCTATGGTTATATGGAGAATATACTCTGTCTCCTCTTACA[G>T]ATGAGTTCAGGTTTCTGGGAGATGACAATGATGTAGATCGTTTCTCTTCCTTCTTTGATT-3'
Protein context (NP_005793.2, residues 567-587): SLSSPRNLNS[Ser577Tyr]VRGDRVYSPY

ClinVar aggregate classification (germline): Benign/Likely benign. Review status: criteria provided, multiple submitters, no conflicts (2 of 4 stars). 6 submissions from 6 submitters: Benign (3); Likely benign (3). Last evaluated 2026-01-12.

Conditions:
TOPORS-related disorder. Also called: TOPORS-related condition.
Retinitis pigmentosa (RP). Identifiers: Orphanet 791, MedGen C0035334, MeSH D012174, MONDO:0019200, OMIM 268000. Inheritance: Autosomal dominant, autosomal recessive and X linked inheritance.

Allele frequency attached by ClinVar (database versions not stated): 1000 Genomes Project 0.00040; 1000 Genomes Project 30x 0.00047; gnomAD 0.00137; ExAC 0.00145; TOPMed 0.00150; gnomAD exomes 0.00153; ESP Exome Variant Server 0.00231.
gnomAD v4.1: 3,113 of 1,614,006 alleles (0.19%); highest among the groups gnomAD compares: Middle Eastern, 0.43%; 5 homozygotes.

Submissions (6):

Labcorp Genetics (formerly Invitae), Labcorp
Classification: Likely benign. Last evaluated: 2026-01-12. Review status: criteria provided, single submitter. Criteria: Invitae Variant Classification Sherloc (09022015). Collection method: clinical testing. Allele origin: germline.

PreventionGenetics, part of Exact Sciences
Classification: Benign for TOPORS-related condition. Last evaluated: 2025-09-04. Review status: criteria provided, single submitter. Criteria: ACMG Guidelines, 2015. Collection method: clinical testing. Allele origin: germline.
Comment: This variant is classified as benign based on ACMG/AMP sequence variant interpretation guidelines (Richards et al. 2015 PMID: 25741868, with internal and published modifications).

CeGaT Center for Human Genetics Tuebingen
Classification: Likely benign. Last evaluated: 2025-01-01. Review status: criteria provided, single submitter. Criteria: CeGaT Center For Human Genetics Tuebingen Variant Classification Criteria Version 2. Collection method: clinical testing. Allele origin: germline. Affected: yes. Observed: 2 variant alleles.
Comment: TOPORS: BP4, BS1

Blueprint Genetics
Classification: Likely benign. Last evaluated: 2024-11-12. Review status: criteria provided, single submitter. Criteria: ACMG Guidelines, 2015. Collection method: clinical testing. Allele origin: germline.

Illumina Laboratory Services, Illumina
Classification: Benign for Retinitis pigmentosa. Last evaluated: 2017-04-27. Review status: criteria provided, single submitter. Criteria: ICSL Variant Classification Criteria 13 December 2019. Collection method: clinical testing. Allele origin: germline.
Comment: This variant was observed as part of a predisposition screen in an ostensibly healthy population. A literature search was performed for the gene, cDNA change, and amino acid change (where applicable). Publications were found based on this search. The evidence from the literature, in combination with allele frequency data from public databases where available, was sufficient to rule this variant out of causing disease. Therefore, this variant is classified as benign.

Eurofins Ntd Llc (ga)
Classification: Benign. Last evaluated: 2016-09-29. Review status: criteria provided, single submitter. Criteria: EGL Classification Definitions 2015. Collection method: clinical testing. Allele origin: germline. Observed: 1 variant allele, 1 heterozygote.

Literature cited by the submitters: PubMed 19373681 (cited by Illumina Laboratory Services, Illumina); PubMed 22334370 (cited by Illumina Laboratory Services, Illumina).